The following is an entry in ClinVar:

NM_001458.5(FLNC):c.7366G>A (p.Val2456Ile)

Genes: FLNC (filamin C; plus strand), FLNC-AS1 (FLNC antisense RNA 1; minus strand). Cytogenetic location: 7q32.1.
Variant type: single nucleotide variant.
Coding change: c.7366G>A on transcript NM_001458.5 (MANE Select); coding-DNA position 7366, G replaced by A.
Protein change: p.Val2456Ile; replaces valine 2456 with isoleucine.
Molecular consequence: missense variant.
Genome position (GRCh38, 1-based): chr7:128,856,632, G>A. VCF-style: chr7-128856632-G-A. GRCh37 (hg19) VCF-style: chr7-128496686-G-A.
Other names: c.7267G>A, p.Val2423Ile (NM_001127487.2); short protein forms V2456I, V2423I.
Identifiers: ClinVar variation 577480 (VCV000577480.16), dbSNP rs770796119, ClinGen allele CA4476245.
Genomic context (GRCh38, chr7:128,856,632, plus strand): 5'-GCCCGGGGCGTGATTGATGCCCGGGTGCACACACCCTCGGGGGCTGTGGAGGAGTGCTAC[G>A]TCTCTGAGCTGGACAGTGGTGAGCTGGCCCTGCCCCTGCCAACTCCCTTCCGGGCTGGGG-3'
Protein context (NP_001449.3, residues 2446-2466): TPSGAVEECY[Val2456Ile]SELDSDKHTI

ClinVar aggregate classification (germline): Conflicting classifications of pathogenicity. Review status: criteria provided, conflicting classifications (1 of 4 stars). 6 submissions from 6 submitters: Uncertain significance (2); Likely benign (4). Last evaluated 2026-04-17.

Conditions:
Myofibrillar myopathy 5. Also called: Filaminopathy (type); FILAMINOPATHY, AUTOSOMAL DOMINANT. Identifiers: Orphanet 171445, MedGen C1836050, MONDO:0012289, OMIM 609524.
Hypertrophic cardiomyopathy 26. Also called: Cardiomyopathy, familial hypertrophic, 26. Identifiers: Orphanet 75249, MedGen C4310749, MONDO:0014883, OMIM 617047.
Distal myopathy with posterior leg and anterior hand involvement. Also called: WILLIAMS DISTAL MYOPATHY. Identifiers: Orphanet 63273, MedGen C3279722, MONDO:0013550, OMIM 614065.
Cardiovascular phenotype. Identifiers: MedGen CN230736.

Allele frequency attached by ClinVar (database versions not stated): TOPMed 0.00003; gnomAD exomes 0.00004; gnomAD 0.00006; ExAC 0.00007.

Submissions (6):

Women's Health and Genetics/Laboratory Corporation of America, LabCorp
Classification: Likely benign. Last evaluated: 2026-04-17. Review status: criteria provided, single submitter. Criteria: LabCorp Variant Classification Summary - May 2015. Collection method: clinical testing. Allele origin: germline.
Comment: Variant summary: FLNC c.7366G>A (p.Val2456Ile) results in a conservative amino acid change in the encoded protein sequence. Algorithms developed to predict the effect of missense changes on protein structure and function are either unavailable or do not agree on the potential impact of this missense change. The variant allele was found at a frequency of 4.4e-05 in 247324 control chromosomes. The observed variant frequency exceeds the estimated maximal expected allele frequency for disease-causing variants in FLNC. To our knowledge, no occurrence of c.7366G>A in individuals affected with FLNC-related conditions and no experimental evidence demonstrating its impact on protein function have been reported. ClinVar contains an entry for this variant (Variation ID: 577480). Based on the evidence outlined above, the variant was classified as likely benign.

Ambry Genetics
Classification: Uncertain significance for Cardiovascular phenotype. Last evaluated: 2025-08-14. Review status: criteria provided, single submitter. Criteria: Ambry Variant Classification Scheme 2023. Collection method: clinical testing. Allele origin: germline.
Comment: The p.V2456I variant (also known as c.7366G>A), located in coding exon 44 of the FLNC gene, results from a G to A substitution at nucleotide position 7366. The valine at codon 2456 is replaced by isoleucine, an amino acid with highly similar properties. This amino acid position is well conserved in available vertebrate species. In addition, this alteration is predicted to be tolerated by in silico analysis. Based on the available evidence, the clinical significance of this variant remains unclear.

Labcorp Genetics (formerly Invitae), Labcorp
Classification: Likely benign for Distal myopathy with posterior leg and anterior hand involvement; Myofibrillar myopathy 5; Hypertrophic cardiomyopathy 26. Last evaluated: 2025-05-06. Review status: criteria provided, single submitter. Criteria: Invitae Variant Classification Sherloc (09022015). Collection method: clinical testing. Allele origin: germline.

Molecular Diagnostic Laboratory for Inherited Cardiovascular Disease, Montreal Heart Institute
Classification: Uncertain significance for Cardiovascular phenotype. Last evaluated: 2025-04-09. Review status: criteria provided, single submitter. Criteria: ACMG Guidelines, 2015. Collection method: clinical testing. Allele origin: germline. Affected: yes.

Blueprint Genetics
Classification: Likely benign. Last evaluated: 2024-05-29. Review status: criteria provided, single submitter. Criteria: ACMG Guidelines, 2015. Collection method: clinical testing. Allele origin: germline.

GeneDx
Classification: Likely benign. Last evaluated: 2023-04-25. Review status: criteria provided, single submitter. Criteria: GeneDx Variant Classification Process June 2021. Collection method: clinical testing. Allele origin: germline. Affected: yes.
Comment: See Variant Classification Assertion Criteria.